The following is an entry in ClinVar:

NM_004304.5(ALK):c.101C>T (p.Ala34Val)

Gene: ALK (ALK receptor tyrosine kinase; minus strand). Cytogenetic location: 2p23.1.
Variant type: single nucleotide variant.
Coding change: c.101C>T on transcript NM_004304.5 (MANE Select); coding-DNA position 101, C replaced by T.
Protein change: p.Ala34Val; replaces alanine 34 with valine.
Molecular consequence: missense variant.
Genome position (GRCh38, 1-based): chr2:29,920,559, G>A on the plus strand (C>T on the coding strand, the complement: ALK is on the minus strand). VCF-style: chr2-29920559-G-A. GRCh37 (hg19) VCF-style: chr2-30143425-G-A.
Other names: short protein forms A34V.
Identifiers: ClinVar variation 658836 (VCV000658836.11), dbSNP rs1572503974, ClinGen allele CA346590691.

ClinVar aggregate classification (germline): Uncertain significance. Review status: criteria provided, multiple submitters, no conflicts (2 of 4 stars). 2 submissions from 2 submitters: Uncertain significance (2). Last evaluated 2023-12-01.

Conditions:
Neuroblastoma, susceptibility to, 3. Also called: ALK-Related Neuroblastic Tumor Susceptibility. Identifiers: Orphanet 635, MedGen C2751681, MONDO:0013083, OMIM 613014.
Hereditary cancer-predisposing syndrome. Also called: Neoplastic Syndromes, Hereditary; Hereditary neoplastic syndrome; Hereditary Cancer Syndrome; Tumor predisposition. Identifiers: Orphanet 140162, MedGen C0027672, MeSH D009386, MONDO:0015356.

Allele frequency attached by ClinVar (database versions not stated): gnomAD below 0.00001 and 0.00001.

Submissions (2):

Labcorp Genetics (formerly Invitae), Labcorp
Classification: Uncertain significance for Neuroblastoma, susceptibility to, 3. Last evaluated: 2023-12-01. Review status: criteria provided, single submitter. Criteria: Invitae Variant Classification Sherloc (09022015). Collection method: clinical testing. Allele origin: germline.
Comment: This sequence change replaces alanine, which is neutral and non-polar, with valine, which is neutral and non-polar, at codon 34 of the ALK protein (p.Ala34Val). This variant is not present in population databases (gnomAD no frequency). This variant has not been reported in the literature in individuals affected with ALK-related conditions. ClinVar contains an entry for this variant (Variation ID: 658836). Algorithms developed to predict the effect of missense changes on protein structure and function output the following: SIFT: "Not Available"; PolyPhen-2: "Benign"; Align-GVGD: "Not Available". The valine amino acid residue is found in multiple mammalian species, which suggests that this missense change does not adversely affect protein function. In summary, the available evidence is currently insufficient to determine the role of this variant in disease. Therefore, it has been classified as a Variant of Uncertain Significance.

Ambry Genetics
Classification: Uncertain significance for Hereditary cancer-predisposing syndrome. Last evaluated: 2022-04-11. Review status: criteria provided, single submitter. Criteria: Ambry Variant Classification Scheme 2023. Collection method: clinical testing. Allele origin: germline.
Comment: The p.A34V variant (also known as c.101C>T), located in coding exon 1 of the ALK gene, results from a C to T substitution at nucleotide position 101. The alanine at codon 34 is replaced by valine, an amino acid with similar properties. This amino acid position is conserved. In addition, this alteration is predicted to be tolerated by in silico analysis. Since supporting evidence is limited at this time, the clinical significance of this alteration remains unclear.